The following is an entry in ClinVar:

ClinVar aggregate classification (germline): Uncertain significance (1 of 4 stars; one submission).

Conditions:
Cardiovascular phenotype. Identifiers: MedGen CN230736.

Submission:

Ambry Genetics
Classification: Uncertain significance for Cardiovascular phenotype. Last evaluated: 2026-08-10. Review status: criteria provided, single submitter. Criteria: Ambry Variant Classification Scheme 2023. Collection method: clinical testing. Allele origin: germline.
Comment: The p.T2315A variant (also known as c.6943A>G), located in coding exon 19 of the TNXB gene, results from an A to G substitution at nucleotide position 6943. The threonine at codon 2315 is replaced by alanine, an amino acid with similar properties. This amino acid position is conserved. In addition, this alteration is predicted to be tolerated by in silico analysis. Based on the available evidence, the clinical significance of this variant remains unclear.

NM_001365276.2(TNXB):c.6943A>G (p.Thr2315Ala)

Gene: TNXB (tenascin XB; minus strand). Cytogenetic location: 6p21.33.
Variant type: single nucleotide variant.
Coding change: c.6943A>G on transcript NM_001365276.2 (MANE Select); coding-DNA position 6943, A replaced by G.
Protein change: p.Thr2315Ala; replaces threonine 2315 with alanine.
Molecular consequence: missense variant.
Genome position (GRCh38, 1-based): chr6:32,062,382, T>C on the plus strand (A>G on the coding strand, the complement: TNXB is on the minus strand). VCF-style: chr6-32062382-T-C. GRCh37 (hg19) VCF-style: chr6-32030159-T-C.
Other names: c.7684A>G, p.Thr2562Ala (NM_001428335.1); c.6943A>G, p.Thr2315Ala (NM_019105.8); short protein forms T2315A, T2562A.
Identifiers: ClinVar variation 5031041 (VCV005031041.1).